The following is an entry in ClinVar:

ClinVar aggregate classification (germline): Uncertain significance. Review status: criteria provided, multiple submitters, no conflicts (2 of 4 stars). 2 submissions from 2 submitters: Uncertain significance (2). Last evaluated 2023-06-17.

gnomAD v4.1: 2 of 1,613,812 alleles (0.00012%); highest among the groups gnomAD compares: Admixed American, 0.0017%; no homozygotes.

Submissions (2):

Labcorp Genetics (formerly Invitae), Labcorp
Classification: Uncertain significance. Last evaluated: 2023-06-17. Review status: criteria provided, single submitter. Criteria: Invitae Variant Classification Sherloc (09022015). Collection method: clinical testing. Allele origin: germline.
Comment: This variant is present in population databases (no rsID available, gnomAD 0.003%). In summary, the available evidence is currently insufficient to determine the role of this variant in disease. Therefore, it has been classified as a Variant of Uncertain Significance. An algorithm developed to predict the effect of missense changes on protein structure and function (PolyPhen-2) suggests that this variant is likely to be disruptive. ClinVar contains an entry for this variant (Variation ID: 2063503). This variant has not been reported in the literature in individuals affected with DIAPH3-related conditions. This sequence change replaces serine, which is neutral and polar, with arginine, which is basic and polar, at codon 801 of the DIAPH3 protein (p.Ser801Arg).

Ambry Genetics
Classification: Uncertain significance. Last evaluated: 2021-07-20. Review status: criteria provided, single submitter. Criteria: Ambry Variant Classification Scheme 2023. Collection method: clinical testing. Allele origin: germline.

NM_001042517.2(DIAPH3):c.2401A>C (p.Ser801Arg)

Gene: DIAPH3 (diaphanous related formin 3; minus strand). Cytogenetic location: 13q21.2.
Variant type: single nucleotide variant.
Coding change: c.2401A>C on transcript NM_001042517.2 (MANE Select); coding-DNA position 2401, A replaced by C.
Protein change: p.Ser801Arg; replaces serine 801 with arginine.
Molecular consequence: missense variant.
Genome position (GRCh38, 1-based): chr13:59,879,435, T>G on the plus strand (A>C on the coding strand, the complement: DIAPH3 is on the minus strand). VCF-style: chr13-59879435-T-G. GRCh37 (hg19) VCF-style: chr13-60453569-T-G.
Other names: c.2368A>C, p.Ser790Arg (NM_001258366.2); c.2263A>C, p.Ser755Arg (NM_001258367.2); c.2191A>C, p.Ser731Arg (NM_001258368.2); c.2401A>C, p.Ser801Arg (NM_001258369.2); c.1612A>C, p.Ser538Arg (NM_001258370.2, NM_030932.4); short protein forms S731R, S755R, S538R, S790R, S801R.
Identifiers: ClinVar variation 2063503 (VCV002063503.5), dbSNP rs1213603917, ClinGen allele CA388330683.
Genomic context (GRCh38, chr13:59,879,435, plus strand): 5'-TGATGTCAGGTTTGATGTTGTTCACCTGCTCTTCAAACTGAAGCTTAAAGAGAATAGCAC[T>G]GAGCCGTGGCCGTAGTCTCTTCACATTGCTCATCTGATTGAAAAGAAAACAGCAGATTTC-3'
Protein context (NP_001035982.1, residues 791-811): SNVKRLRPRL[Ser801Arg]AILFKLQFEE